The following is an entry in ClinVar:

NM_006070.6(TFG):c.24T>G (p.Ser8Arg)

Gene: TFG (trafficking from ER to golgi regulator; plus strand). Cytogenetic location: 3q12.2.
Variant type: single nucleotide variant.
Coding change: c.24T>G on transcript NM_006070.6 (MANE Select); coding-DNA position 24, T replaced by G.
Protein change: p.Ser8Arg; replaces serine 8 with arginine.
Molecular consequence: missense variant.
Genome position (GRCh38, 1-based): chr3:100,713,709, T>G. VCF-style: chr3-100713709-T-G. GRCh37 (hg19) VCF-style: chr3-100432553-T-G.
Other names: c.24T>G, p.Ser8Arg (NM_001007565.2, NM_001195478.2, NM_001195479.2); short protein forms S8R.
Identifiers: ClinVar variation 432643 (VCV000432643.2), dbSNP rs1553699512, ClinGen allele CA353836679.

ClinVar aggregate classification (germline): Uncertain significance (1 of 4 stars; one submission).

Submission:

GeneDx
Classification: Uncertain significance. Last evaluated: 2017-06-08. Review status: criteria provided, single submitter. Criteria: GeneDx Variant Classification (06012015). Collection method: clinical testing. Allele origin: germline. Affected: yes.
Comment: The S8R variant in the TFG gene has not been reported previously as a pathogenic variant, nor as a benign variant, to our knowledge. The S8R variant is not observed in large population cohorts (Lek et al., 2016; 1000 Genomes Consortium et al., 2015; Exome Variant Server). The S8R variant is a semi-conservative amino acid substitution, which may impact secondary protein structure as these residues differ in some properties. This substitution occurs at a position that is conserved across species. In silico analysis predicts this variant is probably damaging to the protein structure/function. We interpret S8R as a variant of uncertain significance.